The following is an entry in ClinVar:

ClinVar aggregate classification (germline): Uncertain significance (1 of 4 stars; one submission).

Conditions:
Primary ciliary dyskinesia 27. Also called: CILIARY DYSKINESIA, PRIMARY, 27, WITHOUT SITUS INVERSUS. Identifiers: Orphanet 244, MedGen C3809701, MONDO:0014215, OMIM 615504.

Allele frequency attached by ClinVar (database versions not stated): gnomAD exomes below 0.00001 and 0.00002; ExAC 0.00003.
gnomAD v4.1: 6 of 1,610,180 alleles (0.00037%); highest among the groups gnomAD compares: Admixed American, 0.0083%; no homozygotes.

Submission:

Baylor Genetics
Classification: Uncertain significance for Primary ciliary dyskinesia 27. Last evaluated: 2018-10-30. Review status: criteria provided, single submitter. Criteria: ACMG Guidelines, 2015. Collection method: clinical testing. Allele origin: paternal. Affected: yes.
Comment: This variant was determined to be of uncertain significance according to ACMG Guidelines, 2015 [PMID:25741868].

NM_033124.5(DRC2):c.808-20A>G

Gene: DRC2 (dynein regulatory complex subunit 2; plus strand). Cytogenetic location: 12q13.12.
Variant type: single nucleotide variant.
Coding change: c.808-20A>G on transcript NM_033124.5 (MANE Select); 20 bases into the intron before coding-DNA position 808, A replaced by G.
Molecular consequence: intron variant.
Genome position (GRCh38, 1-based): chr12:48,918,665, A>G. VCF-style: chr12-48918665-A-G. GRCh37 (hg19) VCF-style: chr12-49312448-A-G.
Other names: c.379-20A>G (NM_001286957.2).
Identifiers: ClinVar variation 1031555 (VCV001031555.1), dbSNP rs767934029, ClinGen allele CA6543349.